The following is an entry in ClinVar:

NM_002693.3(POLG):c.1172A>G (p.Asp391Gly)

Gene: POLG (DNA polymerase gamma, catalytic subunit; minus strand). Cytogenetic location: 15q26.1.
Variant type: single nucleotide variant.
Coding change: c.1172A>G on transcript NM_002693.3 (MANE Select); coding-DNA position 1172, A replaced by G.
Protein change: p.Asp391Gly; replaces aspartic acid 391 with glycine.
Molecular consequence: missense variant.
Genome position (GRCh38, 1-based): chr15:89,328,534, T>C on the plus strand (A>G on the coding strand, the complement: POLG is on the minus strand). VCF-style: chr15-89328534-T-C. GRCh37 (hg19) VCF-style: chr15-89871765-T-C.
Other names: c.1172A>G, p.Asp391Gly (NM_001126131.2); short protein forms D391G.
Identifiers: ClinVar variation 3624632 (VCV003624632.2).
Genomic context (GRCh38, chr15:89,328,534, plus strand): 5'-AGCTGCTGCTGGAAAACCTCATGGGTGGCCCACACGTCCTGGGCACAGTACTGCATCAGG[T>C]CCTGGCACAAGGTGACAGGAAGGCGCAAGGTGGGCAGCCATCCCATTACCACCACCAGCT-3'
Protein context (NP_002684.1, residues 381-401): TMKDIRENFQ[Asp391Gly]LMQYCAQDVW

ClinVar aggregate classification (germline): Uncertain significance (1 of 4 stars; one submission).

Conditions:
Progressive sclerosing poliodystrophy (MTDPS4A). Also called: ALPERS PROGRESSIVE INFANTILE POLIODYSTROPHY; NEURONAL DEGENERATION OF CHILDHOOD WITH LIVER DISEASE, PROGRESSIVE; Alpers Syndrome; ALPERS DIFFUSE DEGENERATION OF CEREBRAL GRAY MATTER WITH HEPATIC CIRRHOSIS; Alpers-Huttenlocher Syndrome; Mitochondrial DNA depletion syndrome 4A (Alpers type). Identifiers: Orphanet 726, MedGen C0205710, MONDO:0008758, OMIM 203700.

gnomAD v4.1: 1 of 1,613,674 alleles (0.000062%); highest among the groups gnomAD compares: Admixed American, 0.0017%; no homozygotes.

Submission:

Labcorp Genetics (formerly Invitae), Labcorp
Classification: Uncertain significance for Progressive sclerosing poliodystrophy. Last evaluated: 2024-08-29. Review status: criteria provided, single submitter. Criteria: Invitae Variant Classification Sherloc (09022015). Collection method: clinical testing. Allele origin: germline.
Comment: This sequence change replaces aspartic acid, which is acidic and polar, with glycine, which is neutral and non-polar, at codon 391 of the POLG protein (p.Asp391Gly). This variant is not present in population databases (gnomAD no frequency). This variant has not been reported in the literature in individuals affected with POLG-related conditions. An algorithm developed to predict the effect of missense changes on protein structure and function (PolyPhen-2) suggests that this variant is likely to be tolerated. In summary, the available evidence is currently insufficient to determine the role of this variant in disease. Therefore, it has been classified as a Variant of Uncertain Significance.